The following is an entry in ClinVar:

ClinVar aggregate classification (germline): Uncertain significance (1 of 4 stars; one submission).

Conditions:
Developmental and epileptic encephalopathy, 34 (DEE34). Also called: SLC12A5-Related Epilepsy of Infancy with Migrating Focal Seizures; Early infantile epileptic encephalopathy 34. Identifiers: Orphanet 293181, MedGen C4225257, MONDO:0014718, OMIM 616645.

Allele frequency attached by ClinVar (database versions not stated): gnomAD exomes below 0.00001 and 0.00001; TOPMed below 0.00001; ExAC 0.00001.
gnomAD v4.1: 4 of 1,608,864 alleles (0.00025%); highest among the groups gnomAD compares: Non-Finnish European, 0.00034%; no homozygotes.

Submission:

Labcorp Genetics (formerly Invitae), Labcorp
Classification: Uncertain significance for Developmental and epileptic encephalopathy, 34. Last evaluated: 2023-11-27. Review status: criteria provided, single submitter. Criteria: Invitae Variant Classification Sherloc (09022015). Collection method: clinical testing. Allele origin: germline.
Comment: This sequence change replaces isoleucine, which is neutral and non-polar, with valine, which is neutral and non-polar, at codon 457 of the SLC12A5 protein (p.Ile457Val). This variant is present in population databases (rs772414812, gnomAD 0.005%). This variant has not been reported in the literature in individuals affected with SLC12A5-related conditions. ClinVar contains an entry for this variant (Variation ID: 1035585). Advanced modeling of protein sequence and biophysical properties (such as structural, functional, and spatial information, amino acid conservation, physicochemical variation, residue mobility, and thermodynamic stability) performed at Invitae indicates that this missense variant is not expected to disrupt SLC12A5 protein function with a negative predictive value of 80%. In summary, the available evidence is currently insufficient to determine the role of this variant in disease. Therefore, it has been classified as a Variant of Uncertain Significance.

NM_020708.5(SLC12A5):c.1369A>G (p.Ile457Val)

Gene: SLC12A5 (solute carrier family 12 member 5; plus strand). Cytogenetic location: 20q13.12.
Variant type: single nucleotide variant.
Coding change: c.1369A>G on transcript NM_020708.5 (MANE Select); coding-DNA position 1369, A replaced by G.
Protein change: p.Ile457Val; replaces isoleucine 457 with valine.
Molecular consequence: missense variant.
Genome position (GRCh38, 1-based): chr20:46,043,908, A>G. VCF-style: chr20-46043908-A-G. GRCh37 (hg19) VCF-style: chr20-44672547-A-G.
Other names: c.1438A>G, p.Ile480Val (NM_001134771.2); short protein forms I457V, I480V.
Identifiers: ClinVar variation 1035585 (VCV001035585.12), dbSNP rs772414812, ClinGen allele CA9887317.